The following is an entry in ClinVar:

NM_000548.5(TSC2):c.2542T>A (p.Ser848Thr)

Gene: TSC2 (TSC complex subunit 2; plus strand). Cytogenetic location: 16p13.3.
Variant type: single nucleotide variant.
Coding change: c.2542T>A on transcript NM_000548.5 (MANE Select); coding-DNA position 2542, T replaced by A.
Protein change: p.Ser848Thr; replaces serine 848 with threonine.
Molecular consequence: missense variant. On other transcripts: non-coding transcript variant (5).
Genome position (GRCh38, 1-based): chr16:2,074,386, T>A. VCF-style: chr16-2074386-T-A. GRCh37 (hg19) VCF-style: chr16-2124387-T-A.
Other names: c.2542T>A, p.Ser848Thr (NM_001077183.3, NM_001114382.3, NM_021055.3 and 6 more transcripts); c.2431T>A, p.Ser811Thr (NM_001406670.1, NM_001406678.1, NM_001318827.2); c.2530T>A, p.Ser844Thr (NM_001406671.1, NM_001406673.1); c.2632T>A, p.Ser878Thr (NM_001406667.1, NM_001406668.1); c.2395T>A, p.Ser799Thr (NM_001406675.1, NM_001406676.1, NM_001318829.2 and 1 more transcripts); c.1198T>A, p.Ser400Thr (NM_001406689.1, NM_001406690.1, NM_001406691.1 and 6 more transcripts); c.2485T>A, p.Ser829Thr (NM_001406677.1); c.940T>A, p.Ser314Thr (NM_001406698.1); and 3 more; short protein forms S314T, S648T, S799T, S848T, S400T, S694T, S811T, S859T.
Identifiers: ClinVar variation 2704809 (VCV002704809.4), dbSNP rs2543829026, ClinGen allele CA394278032.

ClinVar aggregate classification (germline): Uncertain significance. Review status: criteria provided, multiple submitters, no conflicts (2 of 4 stars). 2 submissions from 2 submitters: Uncertain significance (2). Last evaluated 2024-11-07.

Conditions:
Hereditary cancer-predisposing syndrome. Also called: Neoplastic Syndromes, Hereditary; Hereditary neoplastic syndrome; Tumor predisposition; Hereditary Cancer Syndrome. Identifiers: Orphanet 140162, MedGen C0027672, MeSH D009386, MONDO:0015356.
Tuberous sclerosis 2 (TSC2). Identifiers: Orphanet 805, MedGen C1860707, MONDO:0013199, OMIM 613254.

Submissions (2):

Ambry Genetics
Classification: Uncertain significance for Hereditary cancer-predisposing syndrome. Last evaluated: 2024-11-07. Review status: criteria provided, single submitter. Criteria: Ambry Variant Classification Scheme 2023. Collection method: clinical testing. Allele origin: germline.
Comment: The p.S848T variant (also known as c.2542T>A), located in coding exon 21 of the TSC2 gene, results from a T to A substitution at nucleotide position 2542. The serine at codon 848 is replaced by threonine, an amino acid with similar properties. This amino acid position is conserved. In addition, this alteration is predicted to be deleterious by in silico analysis. Based on the available evidence, the clinical significance of this variant remains unclear.

Labcorp Genetics (formerly Invitae), Labcorp
Classification: Uncertain significance for Tuberous sclerosis 2. Last evaluated: 2023-05-23. Review status: criteria provided, single submitter. Criteria: Invitae Variant Classification Sherloc (09022015). Collection method: clinical testing. Allele origin: germline.
Comment: This sequence change replaces serine, which is neutral and polar, with threonine, which is neutral and polar, at codon 848 of the TSC2 protein (p.Ser848Thr). This variant is not present in population databases (gnomAD no frequency). This variant has not been reported in the literature in individuals affected with TSC2-related conditions. Advanced modeling of protein sequence and biophysical properties (such as structural, functional, and spatial information, amino acid conservation, physicochemical variation, residue mobility, and thermodynamic stability) performed at Invitae indicates that this missense variant is not expected to disrupt TSC2 protein function. In summary, the available evidence is currently insufficient to determine the role of this variant in disease. Therefore, it has been classified as a Variant of Uncertain Significance.